The following is an entry in ClinVar:

ClinVar aggregate classification (germline): Uncertain significance. Review status: criteria provided, multiple submitters, no conflicts (2 of 4 stars). 2 submissions from 2 submitters: Uncertain significance (2). Last evaluated 2026-01-06.

Conditions:
Inborn genetic diseases. Identifiers: MedGen C0950123, MeSH D030342.

Allele frequency attached by ClinVar (database versions not stated): gnomAD 0.00005; ExAC 0.00013; 1000 Genomes Project 30x 0.00016; 1000 Genomes Project 0.00020.

Submissions (2):

Women's Health and Genetics/Laboratory Corporation of America, LabCorp
Classification: Uncertain significance. Last evaluated: 2026-01-06. Review status: criteria provided, single submitter. Criteria: LabCorp Variant Classification Summary - May 2015. Collection method: clinical testing. Allele origin: germline.
Comment: Variant summary: IGFALS c.470G>A (p.Arg157His) results in a non-conservative amino acid change in the encoded protein sequence. Algorithms developed to predict the effect of missense changes on protein structure and function are either unavailable or do not agree on the potential impact of this missense change. The variant allele was found at a frequency of 5.7e-05 in 209392 control chromosomes. This frequency is not significantly higher than estimated for disease-causing variants in IGFALS, allowing no conclusion about variant significance. To our knowledge, no occurrence of c.470G>A in individuals affected with IGFALS-related conditions and no experimental evidence demonstrating its impact on protein function have been reported. ClinVar contains an entry for this variant (Variation ID: 3108594). Based on the evidence outlined above, the variant was classified as uncertain significance.

Ambry Genetics
Classification: Uncertain significance for Inborn genetic diseases. Last evaluated: 2023-09-26. Review status: criteria provided, single submitter. Criteria: Ambry Variant Classification Scheme 2023. Collection method: clinical testing. Allele origin: germline.

NM_004970.3(IGFALS):c.470G>A (p.Arg157His)

Gene: IGFALS (insulin like growth factor binding protein acid labile subunit; minus strand). Cytogenetic location: 16p13.3.
Variant type: single nucleotide variant.
Coding change: c.470G>A on transcript NM_004970.3 (MANE Select); coding-DNA position 470, G replaced by A.
Protein change: p.Arg157His; replaces arginine 157 with histidine.
Molecular consequence: missense variant. On other transcripts: non-coding transcript variant (1).
Genome position (GRCh38, 1-based): chr16:1,791,948, C>T on the plus strand (G>A on the coding strand, the complement: IGFALS is on the minus strand). VCF-style: chr16-1791948-C-T. GRCh37 (hg19) VCF-style: chr16-1841949-C-T.
Other names: c.584G>A, p.Arg195His (NM_001146006.2); short protein forms R157H, R195H.
Identifiers: ClinVar variation 3108594 (VCV003108594.2), dbSNP rs199977317, ClinGen allele CA7820575.